The following is an entry in ClinVar:

ClinVar aggregate classification (germline): Uncertain significance (1 of 4 stars; one submission).

Conditions:
Hereditary cancer-predisposing syndrome. Also called: Hereditary neoplastic syndrome; Neoplastic Syndromes, Hereditary; Tumor predisposition; Hereditary Cancer Syndrome. Identifiers: Orphanet 140162, MedGen C0027672, MeSH D009386, MONDO:0015356.

Submission:

Ambry Genetics
Classification: Uncertain significance for Hereditary cancer-predisposing syndrome. Last evaluated: 2025-01-21. Review status: criteria provided, single submitter. Criteria: Ambry Variant Classification Scheme 2023. Collection method: clinical testing. Allele origin: germline.
Comment: The c.797delC variant, located in coding exon 7 of the EGFR gene, results from a deletion of one nucleotide at nucleotide position 797, causing a translational frameshift with a predicted alternate stop codon (p.P266Hfs*14). This alteration is expected to result in loss of function by premature protein truncation or nonsense-mediated mRNA decay. Loss-of-function variants subject to nonsense mediated decay (NMD) in EGFR are known to cause EGFR-related neonatal inflammatory skin and bowel disease; however, such associations with EGFR-related lung cancer have not been reported. Based on the supporting evidence, this alteration is pathogenic for EGFR-related neonatal inflammatory skin and bowel disease; however, the association of this alteration with EGFR-related lung cancer is unknown.

NM_005228.5(EGFR):c.797del (p.Pro266fs)

Gene: EGFR (epidermal growth factor receptor; plus strand). Cytogenetic location: 7p11.2.
Variant type: Deletion.
Coding change: c.797del on transcript NM_005228.5 (MANE Select); coding-DNA position 797, one base deleted (C; older notation c.797delC).
Protein change: p.Pro266fs; shifts the reading frame from proline 266.
Molecular consequence: frameshift variant. On other transcripts: intron variant (1).
Genome position (GRCh38, 1-based): chr7:55,154,060, C deleted; the last of 6 consecutive C bases (chr7:55,154,055-55,154,060); deleting any one gives the same sequence. VCF-style (leftmost placement, unchanged base first): chr7-55154054-GC-G. GRCh37 (hg19) VCF-style: chr7-55221747-GC-G.
Other names: c.662del, p.Pro221fs (NM_001346897.2, NM_001346899.2); c.797del, p.Pro266fs (NM_001346898.2, NM_201282.2, NM_201283.2 and 1 more transcripts); c.638del, p.Pro213fs (NM_001346900.2); c.89-1770del (NM_001346941.2); short protein forms P221fs, P266fs, P213fs.
Identifiers: ClinVar variation 3843794 (VCV003843794.1).